The following is an entry in ClinVar:

NM_001352514.2(HLCS):c.1752_1759delinsTTT (p.Pro585fs)

Gene: HLCS (holocarboxylase synthetase; minus strand). Cytogenetic location: 21q22.13.
Variant type: Indel.
Coding change: c.1752_1759delinsTTT on transcript NM_001352514.2 (MANE Select); coding-DNA positions 1752 to 1759, ACCTGTGG replaced by TTT.
Protein change: p.Pro585fs; shifts the reading frame from proline 585.
Molecular consequence: frameshift variant. On other transcripts: non-coding transcript variant (2).
Genome position (GRCh38, 1-based): chr21:36,896,993-36,897,000, CCACAGGT replaced by AAA on the plus strand (ACCTGTGG replaced by TTT on the coding strand, the reverse complement: HLCS is on the minus strand). VCF-style: chr21-36896993-CCACAGGT-AAA. GRCh37 (hg19) VCF-style: chr21-38269293-CCACAGGT-AAA.
Other names: c.1311_1318delinsTTT, p.Pro438fs (NM_000411.8, NM_001242784.3, NM_001242785.2 and 4 more transcripts); short protein forms P438fs, P585fs.
Identifiers: ClinVar variation 1724481 (VCV001724481.2), dbSNP rs2517423296, ClinGen allele CA2580098667.

ClinVar aggregate classification (germline): Likely pathogenic (1 of 4 stars; one submission).

Conditions:
Holocarboxylase synthetase deficiency. Also called: MULTIPLE CARBOXYLASE DEFICIENCY, EARLY ONSET. Identifiers: Orphanet 79242, MedGen C0268581, MONDO:0009666, OMIM 253270.

Submission:

Myriad Genetics, Inc.
Classification: Likely pathogenic for Holocarboxylase synthetase deficiency. Last evaluated: 2022-02-17. Review status: criteria provided, single submitter. Criteria: Myriad Women's Health Autosomal Recessive and X-Linked Classification Criteria (2021). Collection method: clinical testing. Allele origin: unknown.
Comment: NM_000411.6(HLCS):c.1311_1318del8ins3(P438Ffs*137) is expected to be pathogenic in the context of holocarboxylase synthetase deficiency. This variant is predicted to lead to an abnormal or absent protein product due to the creation of a premature termination codon in HLCS, a gene where loss-of-function variants are known to be pathogenic. Please note: this variant was assessed in the context of healthy population screening.